The following is an entry in ClinVar:

NM_001370259.2(MEN1):c.1578C>T (p.Ala526=)

Gene: MEN1 (menin 1; minus strand). Cytogenetic location: 11q13.1.
Variant type: single nucleotide variant.
Coding change: c.1578C>T on transcript NM_001370259.2 (MANE Select); coding-DNA position 1578, C replaced by T.
Protein change: p.Ala526=; no amino-acid change (alanine 526 retained).
Molecular consequence: synonymous variant.
Genome position (GRCh38, 1-based): chr11:64,804,589, G>A on the plus strand (C>T on the coding strand, the complement: MEN1 is on the minus strand). VCF-style: chr11-64804589-G-A. GRCh37 (hg19) VCF-style: chr11-64572061-G-A.
Other names: c.1593C>T, p.Ala531= (NM_000244.4, NM_130800.3, NM_130801.3 and 3 more transcripts); c.1704C>T, p.Ala568= (NM_001370251.2); c.1578C>T, p.Ala526= (NM_001370260.2, NM_001370261.2, NM_130799.3); c.1473C>T, p.Ala491= (NM_001370262.2, NM_001370263.2).
Identifiers: ClinVar variation 819580 (VCV000819580.15), dbSNP rs767655504, ClinGen allele CA223911908.
Genomic context (GRCh38, chr11:64,804,589, plus strand): 5'-CGGCGGTGGTGATGCTGTGGGTGCTGGCACCTGAGCCGTGCTGCCACCTTCAGGGCCTCG[G>A]GCTGTGCCAGCGACAGTCCCAGGAGGCTTCCGGGGGGGTCCTGACACTGCACCCTGGCCG-3'
Protein context (NP_001357188.2, residues 516-536): RKPPGTVAGT[Ala526=]RGPEGGSTAQ

ClinVar aggregate classification (germline): Conflicting classifications of pathogenicity. Review status: criteria provided, conflicting classifications (1 of 4 stars). 5 submissions from 5 submitters: Uncertain significance (1); Benign (1); Likely benign (3). Last evaluated 2025-11-23.

Conditions:
Multiple endocrine neoplasia, type 1 (MEN1). Also called: MEN I; WERMER SYNDROME; Endocrine adenomatosis multiple; MEN 1; MEA I. Identifiers: Orphanet 652, MedGen C0025267, MeSH D018761, MONDO:0007540, OMIM 131100.
Hereditary cancer-predisposing syndrome. Also called: Hereditary Cancer Syndrome; Neoplastic Syndromes, Hereditary; Hereditary neoplastic syndrome; Tumor predisposition. Identifiers: Orphanet 140162, MedGen C0027672, MeSH D009386, MONDO:0015356.

Allele frequency attached by ClinVar (database versions not stated): TOPMed 0.00001.
gnomAD v4.1: 5 of 1,611,878 alleles (0.00031%); highest among the groups gnomAD compares: Non-Finnish European, 0.00042%; no homozygotes.

Submissions (5):

Labcorp Genetics (formerly Invitae), Labcorp
Classification: Likely benign for Multiple endocrine neoplasia, type 1. Last evaluated: 2025-11-23. Review status: criteria provided, single submitter. Criteria: Invitae Variant Classification Sherloc (09022015). Collection method: clinical testing. Allele origin: germline.

Color Diagnostics, LLC DBA Color Health
Classification: Likely benign for Multiple endocrine neoplasia, type 1. Last evaluated: 2025-05-13. Review status: criteria provided, single submitter. Criteria: ACMG Guidelines, 2015. Collection method: clinical testing. Allele origin: germline.

Myriad Genetics, Inc.
Classification: Benign for Multiple endocrine neoplasia, type 1. Last evaluated: 2024-11-05. Review status: criteria provided, single submitter. Criteria: Myriad Autosomal Dominant, Autosomal Recessive and X-Linked Classification Criteria (2023). Collection method: clinical testing. Allele origin: unknown.
Comment: This variant is considered benign. This variant is a silent/synonymous amino acid change and it is not expected to impact splicing.

All of Us Research Program, National Institutes of Health
Classification: Uncertain significance for Multiple endocrine neoplasia, type 1. Last evaluated: 2023-05-04. Review status: criteria provided, single submitter. Criteria: ACMG Guidelines, 2015. Collection method: clinical testing. Allele origin: germline. Inheritance: Autosomal dominant inheritance. Observed: 1 variant allele, 1 heterozygote.
Comment: This variant is located in the MEN1 protein. To our knowledge, functional studies have not been reported for this variant. This variant has not been reported in individuals affected with MEN1-related disorders in the literature. This variant has been identified in 1/31350 chromosomes in the general population by the Genome Aggregation Database (gnomAD). The available evidence is insufficient to determine the role of this variant in disease conclusively. Therefore, this variant is classified as a Variant of Uncertain Significance.

This study involves interpretation of variants in research participants for the purpose of population health screening. Participant phenotype was not available at the time of variant classification. Additional details can be found in publication PMID: 35346344, PMCID: PMC8962531

Ambry Genetics
Classification: Likely benign for Hereditary cancer-predisposing syndrome. Last evaluated: 2018-09-05. Review status: criteria provided, single submitter. Criteria: Ambry Variant Classification Scheme 2023. Collection method: clinical testing. Allele origin: germline.